The following is an entry in ClinVar:

NM_022765.4(MICAL1):c.460C>T (p.His154Tyr)

Gene: MICAL1 (microtubule associated monooxygenase, calponin and LIM domain containing 1; minus strand). Cytogenetic location: 6q21.
Variant type: single nucleotide variant.
Coding change: c.460C>T on transcript NM_022765.4 (MANE Select); coding-DNA position 460, C replaced by T.
Protein change: p.His154Tyr; replaces histidine 154 with tyrosine.
Molecular consequence: missense variant.
Genome position (GRCh38, 1-based): chr6:109,453,644, G>A on the plus strand (C>T on the coding strand, the complement: MICAL1 is on the minus strand). VCF-style: chr6-109453644-G-A. GRCh37 (hg19) VCF-style: chr6-109774847-G-A.
Other names: c.460C>T, p.His154Tyr (NM_001159291.2); c.517C>T, p.His173Tyr (NM_001286613.2); short protein forms H154Y, H173Y.
Identifiers: ClinVar variation 2710287 (VCV002710287.3), dbSNP rs1320267986, ClinGen allele CA365233267.

ClinVar aggregate classification (germline): Uncertain significance (1 of 4 stars; one submission).

Submission:

Labcorp Genetics (formerly Invitae), Labcorp
Classification: Uncertain significance. Last evaluated: 2023-06-10. Review status: criteria provided, single submitter. Criteria: Invitae Variant Classification Sherloc (09022015). Collection method: clinical testing. Allele origin: germline.
Comment: An algorithm developed to predict the effect of missense changes on protein structure and function (PolyPhen-2) suggests that this variant is likely to be disruptive. This sequence change replaces histidine, which is basic and polar, with tyrosine, which is neutral and polar, at codon 173 of the MICAL1 protein (p.His173Tyr). This variant is not present in population databases (gnomAD no frequency). This variant has not been reported in the literature in individuals affected with MICAL1-related conditions. In summary, the available evidence is currently insufficient to determine the role of this variant in disease. Therefore, it has been classified as a Variant of Uncertain Significance.